The following is an entry in ClinVar:

ClinVar aggregate classification (germline): Uncertain significance (1 of 4 stars; one submission).

Conditions:
Hereditary breast ovarian cancer syndrome. Also called: Hereditary breast and ovarian cancer syndrome; Hereditary breast and ovarian cancer; BRCA1- and BRCA2-Associated Hereditary Breast and Ovarian Cancer; Hereditary breast and/or ovarian cancer syndrome; Breast and ovarian cancer; Hereditary breast and ovarian cancer syndrome (HBOC). Identifiers: Orphanet 145, MedGen C0677776, MeSH D061325, MONDO:0003582. Disease mechanism: loss of function.

Submission:

Labcorp Genetics (formerly Invitae), Labcorp
Classification: Uncertain significance for Hereditary breast ovarian cancer syndrome. Last evaluated: 2024-05-13. Review status: criteria provided, single submitter. Criteria: Invitae Variant Classification Sherloc (09022015). Collection method: clinical testing. Allele origin: germline.
Comment: This sequence change replaces valine, which is neutral and non-polar, with alanine, which is neutral and non-polar, at codon 299 of the BRCA2 protein (p.Val299Ala). This variant is not present in population databases (gnomAD no frequency). This variant has not been reported in the literature in individuals affected with BRCA2-related conditions. Advanced modeling of protein sequence and biophysical properties (such as structural, functional, and spatial information, amino acid conservation, physicochemical variation, residue mobility, and thermodynamic stability) performed at Invitae indicates that this missense variant is not expected to disrupt BRCA2 protein function with a negative predictive value of 95%. In summary, the available evidence is currently insufficient to determine the role of this variant in disease. Therefore, it has been classified as a Variant of Uncertain Significance.

NM_000059.4(BRCA2):c.896T>C (p.Val299Ala)

Gene: BRCA2 (BRCA2 DNA repair associated; plus strand). Cytogenetic location: 13q13.1.
Variant type: single nucleotide variant.
Coding change: c.896T>C on transcript NM_000059.4 (MANE Select); coding-DNA position 896, T replaced by C.
Protein change: p.Val299Ala; replaces valine 299 with alanine.
Molecular consequence: missense variant. On other transcripts: non-coding transcript variant (1), intron variant (1).
Genome position (GRCh38, 1-based): chr13:32,332,374, T>C. VCF-style: chr13-32332374-T-C. GRCh37 (hg19) VCF-style: chr13-32906511-T-C.
Other names: c.896T>C, p.Val299Ala (NM_001406719.1, NM_001406720.1, NM_001406721.1); c.424+1344T>C (NM_001406722.1); short protein forms V299A.
Identifiers: ClinVar variation 2874778 (VCV002874778.3), dbSNP rs2137465629, ClinGen allele CA387760671.